The following is an entry in ClinVar:

NM_002519.3(NPAT):c.1598T>C (p.Leu533Pro)

Gene: NPAT (nuclear protein, coactivator of histone transcription; minus strand). Cytogenetic location: 11q22.3.
Variant type: single nucleotide variant.
Coding change: c.1598T>C on transcript NM_002519.3 (MANE Select); coding-DNA position 1598, T replaced by C.
Protein change: p.Leu533Pro; replaces leucine 533 with proline.
Molecular consequence: missense variant.
Genome position (GRCh38, 1-based): chr11:108,173,386, A>G on the plus strand (T>C on the coding strand, the complement: NPAT is on the minus strand). VCF-style: chr11-108173386-A-G. GRCh37 (hg19) VCF-style: chr11-108044113-A-G.
Other names: c.1598T>C, p.Leu533Pro (NM_001321307.1); short protein forms L533P.
Identifiers: ClinVar variation 2496658 (VCV002496658.2), dbSNP rs1422919097, ClinGen allele CA382514788.

ClinVar aggregate classification (germline): Uncertain significance (1 of 4 stars; one submission).

Allele frequency attached by ClinVar (database versions not stated): gnomAD exomes below 0.00001; TOPMed below 0.00001; gnomAD 0.00001.
gnomAD v4.1: 4 of 1,613,908 alleles (0.00025%); highest among the groups gnomAD compares: African/African-American, 0.0053%; no homozygotes.

Submission:

Ambry Genetics
Classification: Uncertain significance. Last evaluated: 2022-12-18. Review status: criteria provided, single submitter. Criteria: Ambry Variant Classification Scheme 2023. Collection method: clinical testing. Allele origin: germline.
Comment: The p.L533P variant (also known as c.1598T>C), located in coding exon 13 of the NPAT gene, results from a T to C substitution at nucleotide position 1598. The leucine at codon 533 is replaced by proline, an amino acid with similar properties. This amino acid position is conserved. In addition, this alteration is predicted to be tolerated by in silico analysis. Since supporting evidence is limited at this time, the clinical significance of this alteration remains unclear.